The following is an entry in ClinVar:

ClinVar aggregate classification (germline): Likely benign. Review status: criteria provided, multiple submitters, no conflicts (2 of 4 stars). 2 submissions from 2 submitters: Likely benign (2). Last evaluated 2025-12-06.

Conditions:
Niemann-Pick disease, type B. Also called: Chronic Visceral ASMD (Niemann-Pick Disease Type B; NPD-B). Identifiers: Orphanet 77293, MedGen C0268243, MONDO:0011871, OMIM 607616. Disease mechanism: loss of function.
Niemann-Pick disease, type A. Also called: Infantile Neurovisceral ASMD (Niemann-Pick Disease Type A; NPD-A); SPHINGOMYELIN LIPIDOSIS; SPHINGOMYELINASE DEFICIENCY. Identifiers: Orphanet 77292, MedGen C0268242, MONDO:0009756, OMIM 257200. Disease mechanism: loss of function.
SMPD1-related disorder. Also called: SMPD1-related condition.

Allele frequency attached by ClinVar (database versions not stated): ExAC 0.00297.

Submissions (2):

PreventionGenetics, part of Exact Sciences
Classification: Likely benign for SMPD1-related condition. Last evaluated: 2025-12-06. Review status: criteria provided, single submitter. Criteria: ACMG Guidelines, 2015. Collection method: clinical testing. Allele origin: germline.
Comment: This variant is classified as likely benign based on ACMG/AMP sequence variant interpretation guidelines (Richards et al. 2015 PMID: 25741868, with internal and published modifications).

Labcorp Genetics (formerly Invitae), Labcorp
Classification: Likely benign for Niemann-Pick disease, type B; Niemann-Pick disease, type A. Last evaluated: 2022-09-19. Review status: criteria provided, single submitter. Criteria: Invitae Variant Classification Sherloc (09022015). Collection method: clinical testing. Allele origin: germline.

NM_000543.5(SMPD1):c.573T>C (p.Pro191=)

Gene: SMPD1 (sphingomyelin phosphodiesterase 1; plus strand). Cytogenetic location: 11p15.4.
Variant type: single nucleotide variant.
Coding change: c.573T>C on transcript NM_000543.5 (MANE Select); coding-DNA position 573, T replaced by C.
Protein change: p.Pro191=; no amino-acid change (proline 191 retained).
Molecular consequence: synonymous variant. On other transcripts: 5 prime UTR variant (1), non-coding transcript variant (1).
Genome position (GRCh38, 1-based): chr11:6,391,638, T>C. VCF-style: chr11-6391638-T-C. GRCh37 (hg19) VCF-style: chr11-6412868-T-C.
Other names: c.570T>C, p.Pro190= (NM_001007593.3); c.573T>C, p.Pro191= (NM_001318087.2, NM_001365135.2); c.-389T>C (NM_001318088.2); c.573T>C (NM_000543.4).
Identifiers: ClinVar variation 1090689 (VCV001090689.10), dbSNP rs751653824, ClinGen allele CA5852635.